The following is an entry in ClinVar:

NM_001040716.2(PC):c.2668G>T (p.Val890Phe)

Gene: PC (pyruvate carboxylase; minus strand). Cytogenetic location: 11q13.2.
Variant type: single nucleotide variant.
Coding change: c.2668G>T on transcript NM_001040716.2 (MANE Select); coding-DNA position 2668, G replaced by T.
Protein change: p.Val890Phe; replaces valine 890 with phenylalanine.
Molecular consequence: missense variant.
Genome position (GRCh38, 1-based): chr11:66,850,270, C>A on the plus strand (G>T on the coding strand, the complement: PC is on the minus strand). VCF-style: chr11-66850270-C-A. GRCh37 (hg19) VCF-style: chr11-66617741-C-A.
Other names: PC; c.2668G>T, p.Val890Phe (NM_000920.4, NM_022172.3); short protein forms V890F.
Identifiers: ClinVar variation 487339 (VCV000487339.2), dbSNP rs1555014957, ClinGen allele CA381492401.

ClinVar aggregate classification (germline): Pathogenic (1 of 4 stars; one submission).

Conditions:
Pyruvate carboxylase deficiency. Also called: ATAXIA WITH LACTIC ACIDOSIS II; LEIGH NECROTIZING ENCEPHALOPATHY DUE TO PYRUVATE CARBOXYLASE DEFICIENCY; LEIGH SYNDROME DUE TO PYRUVATE CARBOXYLASE DEFICIENCY; PC DEFICIENCY; Pyruvate Carboxylase Deficiency Disease. Identifiers: Orphanet 3008, MedGen C0034341, MONDO:0009949, OMIM 266150.

Allele frequency attached by ClinVar (database versions not stated): TOPMed below 0.00001.

Submission:

Department of Medical Genetics, Sanjay Gandhi Post Graduate Institute of Medical Sciences
Classification: Pathogenic for Pyruvate carboxylase deficiency. Last evaluated: 2016-04-25. Review status: criteria provided, single submitter. Criteria: ACMG Guidelines, 2015. Collection method: clinical testing. Allele origin: inherited. Inheritance: Autosomal recessive inheritance. Affected: yes. Observed: 1 variant allele, 1 homozygote.
Comment: Clinical exome sequencing revealed a novel homozygous missense variant c.2668 G > T (V890F) in the PC gene. It is predicted to be pathogenic by bioinformatics prediction tools. The variant was confirmed by Sanger sequencing.

Literature cited by the submitters: PubMed 28831725.